The following is an entry in ClinVar:

NM_000489.6(ATRX):c.5786A>G (p.Lys1929Arg)

Gene: ATRX (ATRX chromatin remodeler; minus strand). Cytogenetic location: Xq21.1.
Variant type: single nucleotide variant.
Coding change: c.5786A>G on transcript NM_000489.6 (MANE Select); coding-DNA position 5786, A replaced by G.
Protein change: p.Lys1929Arg; replaces lysine 1929 with arginine.
Molecular consequence: missense variant.
Genome position (GRCh38, 1-based): chrX:77,599,732, T>C on the plus strand (A>G on the coding strand, the complement: ATRX is on the minus strand). VCF-style: chrX-77599732-T-C. GRCh37 (hg19) VCF-style: chrX-76855201-T-C.
Other names: c.5672A>G, p.Lys1891Arg (NM_138270.5); short protein forms K1891R, K1929R.
Identifiers: ClinVar variation 1698461 (VCV001698461.6), dbSNP rs1569528833, ClinGen allele CA413697888.

ClinVar aggregate classification (germline): Conflicting classifications of pathogenicity. Review status: criteria provided, conflicting classifications (1 of 4 stars). 2 submissions from 2 submitters: Uncertain significance (1); Benign (1). Last evaluated 2025-11-18.

Conditions:
Alpha thalassemia-X-linked intellectual disability syndrome (ATRX). Also called: ALPHA-THALASSEMIA/MENTAL RETARDATION SYNDROME, X-LINKED; ATR, NONDELETION TYPE; X-linked alpha-thalassemia-mental retardation syndrome; ATR-X syndrome; Alpha thalassemia mental retardation syndrome, nondeletion type, X-linked; XLMR hypotonic face syndrome. Identifiers: Orphanet 847, MedGen C1845055, MONDO:0010519, OMIM 301040.

Allele frequency attached by ClinVar (database versions not stated): TOPMed 0.00002; gnomAD exomes 0.00001.

Submissions (2):

Labcorp Genetics (formerly Invitae), Labcorp
Classification: Benign for Alpha thalassemia-X-linked intellectual disability syndrome. Last evaluated: 2025-11-18. Review status: criteria provided, single submitter. Criteria: Invitae Variant Classification Sherloc (09022015). Collection method: clinical testing. Allele origin: germline.

Women's Health and Genetics/Laboratory Corporation of America, LabCorp
Classification: Uncertain significance. Last evaluated: 2022-06-03. Review status: criteria provided, single submitter. Criteria: LabCorp Variant Classification Summary - May 2015. Collection method: clinical testing. Allele origin: germline.
Comment: Variant summary: ATRX c.5786A>G (p.Lys1929Arg) results in a conservative amino acid change in the encoded protein sequence. Three of five in-silico tools predict a benign effect of the variant on protein function. The variant allele was found at a frequency of 5.5e-06 in 183064 control chromosomes. The available data on variant occurrences in the general population are insufficient to allow any conclusion about variant significance. c.5786A>G has been reported in the literature in one individual affected with ATR-X Syndrome. These data do not allow any conclusion about variant significance. To our knowledge, no experimental evidence demonstrating an impact on protein function has been reported. No clinical diagnostic laboratories have submitted clinical-significance assessments for this variant to ClinVar after 2014. Based on the evidence outlined above, the variant was classified as uncertain significance.

Literature cited by the submitters: PubMed 29304373 (cited by Women's Health and Genetics/Laboratory Corporation of America, LabCorp).